The following is an entry in ClinVar:

ClinVar aggregate classification (germline): Pathogenic (1 of 4 stars; one submission).

Conditions:
Arrhythmogenic right ventricular dysplasia 9 (ARVD9). Also called: ARRHYTHMOGENIC RIGHT VENTRICULAR DYSPLASIA, FAMILIAL, 9; Arrhythmogenic Right Ventricular Dysplasia/Cardiomyopathy 9. Identifiers: MedGen C1836906, MONDO:0012180, OMIM 609040.

Allele frequency attached by ClinVar (database versions not stated): gnomAD exomes below 0.00001.

Submission:

Labcorp Genetics (formerly Invitae), Labcorp
Classification: Pathogenic for Arrhythmogenic right ventricular dysplasia 9. Last evaluated: 2022-02-05. Review status: criteria provided, single submitter. Criteria: Invitae Variant Classification Sherloc (09022015). Collection method: clinical testing. Allele origin: germline.
Comment: For these reasons, this variant has been classified as Pathogenic. This variant has not been reported in the literature in individuals affected with PKP2-related conditions. This variant is present in population databases (no rsID available, gnomAD 0.003%). This sequence change creates a premature translational stop signal (p.Val308Cysfs*28) in the PKP2 gene. It is expected to result in an absent or disrupted protein product. Loss-of-function variants in PKP2 are known to be pathogenic (PMID: 15489853, 23911551).

Literature cited by the submitters: PubMed 15489853; PubMed 23911551.

NM_001005242.3(PKP2):c.921dup (p.Val308fs)

Gene: PKP2 (plakophilin 2; minus strand). Cytogenetic location: 12p11.21.
Variant type: Duplication.
Coding change: c.921dup on transcript NM_001005242.3 (MANE Select); coding-DNA position 921, one base duplicated (T; older notation c.921dupT).
Protein change: p.Val308fs; shifts the reading frame from valine 308.
Molecular consequence: frameshift variant.
Genome position (GRCh38, 1-based): chr12:32,877,959, A duplicated on the plus strand (T on the coding strand, the reverse complement: PKP2 is on the minus strand). VCF-style (leftmost placement, unchanged base first): chr12-32877958-C-CA. GRCh37 (hg19) VCF-style: chr12-33030892-C-CA.
Other names: c.921dup, p.Val308Cysfs (NM_001407155.1, NM_001407156.1, NM_001407157.1 and 1 more transcripts); c.594dup, p.Val199Cysfs (NM_001407158.1, NM_001407159.1, NM_001407160.1 and 1 more transcripts); c.921dup, p.Val308fs (NM_004572.4); short protein forms V308fs.
Identifiers: ClinVar variation 2040092 (VCV002040092.4), dbSNP rs1225845438, ClinGen allele CA604480636.